The following is an entry in ClinVar:

NM_153717.3(EVC):c.1099-4G>T

Gene: EVC (EvC ciliary complex subunit 1; plus strand). Cytogenetic location: 4p16.2.
Variant type: single nucleotide variant.
Coding change: c.1099-4G>T on transcript NM_153717.3 (MANE Select); 4 bases into the intron before coding-DNA position 1099, G replaced by T.
Molecular consequence: intron variant.
Genome position (GRCh38, 1-based): chr4:5,752,832, G>T. VCF-style: chr4-5752832-G-T. GRCh37 (hg19) VCF-style: chr4-5754559-G-T.
Other names: c.1099-4G>T (NM_153717.2, NM_001306090.2, NM_001306092.2).
Identifiers: ClinVar variation 4785740 (VCV004785740.2).

ClinVar aggregate classification (germline): Likely benign. Review status: criteria provided, multiple submitters, no conflicts (2 of 4 stars). 2 submissions from 2 submitters: Likely benign (2). Last evaluated 2025-09-19.

Conditions:
EVC-related disorder. Also called: EVC-related disorders; EVC-related condition.
Ellis-van Creveld syndrome (EVC). Also called: Chondroectodermal dysplasia; MESOECTODERMAL DYSPLASIA. Identifiers: Orphanet 289, MedGen C0013903, MONDO:0009162, OMIM 225500.
Curry-Hall syndrome (WAD). Also called: WEYERS ACRODENTAL DYSOSTOSIS. Identifiers: Orphanet 952, MedGen C0457013, MONDO:0008673, OMIM 193530.

Submissions (2):

Labcorp Genetics (formerly Invitae), Labcorp
Classification: Likely benign for Curry-Hall syndrome; Ellis-van Creveld syndrome. Last evaluated: 2025-09-19. Review status: criteria provided, single submitter. Criteria: Invitae Variant Classification Sherloc (09022015). Collection method: clinical testing. Allele origin: germline.

PreventionGenetics, part of Exact Sciences
Classification: Likely benign for EVC-related condition. Last evaluated: 2024-11-14. Review status: criteria provided, single submitter. Criteria: ACMG Guidelines, 2015. Collection method: clinical testing. Allele origin: germline.
Comment: This variant is classified as likely benign based on ACMG/AMP sequence variant interpretation guidelines (Richards et al. 2015 PMID: 25741868, with internal and published modifications).